The following is an entry in ClinVar:

NM_014915.3(ANKRD26):c.1110dup (p.Glu371fs)

Gene: ANKRD26 (ankyrin repeat domain 26; minus strand). Cytogenetic location: 10p12.1.
Variant type: Duplication.
Coding change: c.1110dup on transcript NM_014915.3 (MANE Select); coding-DNA position 1110, one base duplicated (A; older notation c.1110dupA).
Protein change: p.Glu371fs; shifts the reading frame from glutamic acid 371.
Molecular consequence: frameshift variant.
Genome position (GRCh38, 1-based): chr10:27,067,254, T duplicated on the plus strand (A on the coding strand, the reverse complement: ANKRD26 is on the minus strand); the first of 7 consecutive T bases (chr10:27,067,254-27,067,260); duplicating any one gives the same sequence. VCF-style (leftmost placement, unchanged base first): chr10-27067253-C-CT. GRCh37 (hg19) VCF-style: chr10-27356182-C-CT.
Other names: c.1110dup, p.Glu371fs (NM_001256053.2); short protein forms E371fs.
Identifiers: ClinVar variation 1338545 (VCV001338545.8), dbSNP rs775948884, ClinGen allele CA5448682.

ClinVar aggregate classification (germline): Uncertain significance. Review status: criteria provided, multiple submitters, no conflicts (2 of 4 stars). 3 submissions from 3 submitters: Uncertain significance (3). Last evaluated 2025-11-04.

Submissions (3):

Labcorp Genetics (formerly Invitae), Labcorp
Classification: Uncertain significance. Last evaluated: 2025-11-04. Review status: criteria provided, single submitter. Criteria: Invitae Variant Classification Sherloc (09022015). Collection method: clinical testing. Allele origin: germline.
Comment: This sequence change creates a premature translational stop signal (p.Glu371Argfs*5) in the ANKRD26 gene. It is expected to result in an absent or disrupted protein product. However, the current clinical and genetic evidence is not sufficient to establish whether loss-of-function variants in ANKRD26 cause disease. This variant is present in population databases (rs775948884, gnomAD 0.005%). This variant has not been reported in the literature in individuals affected with ANKRD26-related conditions. ClinVar contains an entry for this variant (Variation ID: 1338545). In summary, the available evidence is currently insufficient to determine the role of this variant in disease. Therefore, it has been classified as a Variant of Uncertain Significance.

GeneDx
Classification: Uncertain significance. Last evaluated: 2025-07-20. Review status: criteria provided, single submitter. Criteria: GeneDx Variant Classification Process June 2021. Collection method: clinical testing. Allele origin: germline.
Comment: Has not been previously published as pathogenic or benign to our knowledge; Frameshift variant predicted to result in protein truncation or nonsense mediated decay in a gene for which loss-of-function is not a known mechanism of disease

Genetic Services Laboratory, University of Chicago
Classification: Uncertain significance. Last evaluated: 2019-09-25. Review status: criteria provided, single submitter. Criteria: ACMG Guidelines, 2015. Collection method: clinical testing. Allele origin: germline. Affected: no.